The following is an entry in ClinVar:

NM_004621.6(TRPC6):c.1149C>T (p.Cys383=)

Gene: TRPC6 (transient receptor potential cation channel subfamily C member 6; minus strand). Cytogenetic location: 11q22.1.
Variant type: single nucleotide variant.
Coding change: c.1149C>T on transcript NM_004621.6 (MANE Select); coding-DNA position 1149, C replaced by T.
Protein change: p.Cys383=; no amino-acid change (cysteine 383 retained).
Molecular consequence: synonymous variant.
Genome position (GRCh38, 1-based): chr11:101,489,081, G>A on the plus strand (C>T on the coding strand, the complement: TRPC6 is on the minus strand). VCF-style: chr11-101489081-G-A. GRCh37 (hg19) VCF-style: chr11-101359812-G-A.
Identifiers: ClinVar variation 3905934 (VCV003905934.10).
Genomic context (GRCh38, chr11:101,489,081, plus strand): 5'-CATTGTCTGCTGTCGTAAACCAGAAAGATTCTCATACCAAATGGAGAGAAGTTGCTGTTG[G>A]CAGTTTGGATGAGCTACAAACTAGCAGGGAAGTGACAAAATATTTAAATTTGACTAAAGA-3'
Protein context (NP_004612.2, residues 373-393): EVKKFVAHPN[Cys383=]QQQLLSIWYE

ClinVar aggregate classification (germline): Likely benign (1 of 4 stars; one submission).

Submission:

CeGaT Center for Human Genetics Tuebingen
Classification: Likely benign. Last evaluated: 2025-05-01. Review status: criteria provided, single submitter. Criteria: CeGaT Center For Human Genetics Tuebingen Variant Classification Criteria Version 2. Collection method: clinical testing. Allele origin: germline. Affected: yes. Observed: 1 variant allele.
Comment: TRPC6: PM2:Supporting, BP4, BP7